The following is an entry in ClinVar:

NM_006509.4(RELB):c.214C>T (p.Gln72Ter)

Gene: RELB (RELB proto-oncogene, NF-kB subunit; plus strand). Cytogenetic location: 19q13.32.
Variant type: single nucleotide variant.
Coding change: c.214C>T on transcript NM_006509.4 (MANE Select); coding-DNA position 214, C replaced by T.
Protein change: p.Gln72Ter; replaces glutamine 72 with a stop codon.
Molecular consequence: nonsense.
Genome position (GRCh38, 1-based): chr19:45,011,986, C>T. VCF-style: chr19-45011986-C-T. GRCh37 (hg19) VCF-style: chr19-45515244-C-T.
Other names: c.205C>T, p.Gln69Ter (NM_001411087.1); short protein forms Q69*, Q72*.
Identifiers: ClinVar variation 2854414 (VCV002854414.3), dbSNP rs2513638044, ClinGen allele CA406321904.

ClinVar aggregate classification (germline): Uncertain significance (1 of 4 stars; one submission).

Submission:

Labcorp Genetics (formerly Invitae), Labcorp
Classification: Uncertain significance. Last evaluated: 2023-05-23. Review status: criteria provided, single submitter. Criteria: Invitae Variant Classification Sherloc (09022015). Collection method: clinical testing. Allele origin: germline.
Comment: In summary, the available evidence is currently insufficient to determine the role of this variant in disease. Therefore, it has been classified as a Variant of Uncertain Significance. This variant has not been reported in the literature in individuals affected with RELB-related conditions. This variant is not present in population databases (gnomAD no frequency). This sequence change creates a premature translational stop signal (p.Gln72*) in the RELB gene. It is expected to result in an absent or disrupted protein product. However, the current clinical and genetic evidence is not sufficient to establish whether loss-of-function variants in RELB cause disease.